The following is an entry in ClinVar:

NM_001655.5(ARCN1):c.1053G>T (p.Lys351Asn)

Gene: ARCN1 (archain 1 coat protein complex I subunit delta; plus strand). Cytogenetic location: 11q23.3.
Variant type: single nucleotide variant.
Coding change: c.1053G>T on transcript NM_001655.5 (MANE Select); coding-DNA position 1053, G replaced by T.
Protein change: p.Lys351Asn; replaces lysine 351 with asparagine.
Molecular consequence: missense variant. On other transcripts: non-coding transcript variant (1).
Genome position (GRCh38, 1-based): chr11:118,592,777, G>T. VCF-style: chr11-118592777-G-T. GRCh37 (hg19) VCF-style: chr11-118463492-G-T.
Other names: c.789G>T, p.Lys263Asn (NM_001142281.2, NM_001425081.1); c.1053G>T, p.Lys351Asn (NM_001425073.1, NM_001425078.1); c.1050G>T, p.Lys350Asn (NM_001425074.1, NM_001425079.1); c.996G>T, p.Lys332Asn (NM_001425075.1); c.984G>T, p.Lys328Asn (NM_001425076.1); c.888G>T, p.Lys296Asn (NM_001425077.1); c.609G>T, p.Lys203Asn (NM_001425080.1); short protein forms K203N, K263N, K296N, K328N, K332N, K350N, K351N.
Identifiers: ClinVar variation 4083029 (VCV004083029.1).

ClinVar aggregate classification (germline): Uncertain significance (1 of 4 stars; one submission).

Submission:

GeneDx
Classification: Uncertain significance. Last evaluated: 2025-03-05. Review status: criteria provided, single submitter. Criteria: GeneDx Variant Classification Process June 2021. Collection method: clinical testing. Allele origin: germline. Affected: yes.
Comment: Not observed at significant frequency in large population cohorts (gnomAD); In silico analysis supports that this missense variant has a deleterious effect on protein structure/function; Has not been previously published as pathogenic or benign to our knowledge